The following is an entry in ClinVar:

NM_005138.3(SCO2):c.39G>A (p.Arg13=)

Genes: NCAPH2 (non-SMC condensin II complex subunit H2; plus strand), SCO2 (synthesis of cytochrome C oxidase 2; minus strand). Cytogenetic location: 22q13.33.
Variant type: single nucleotide variant.
Coding change: c.39G>A on transcript NM_005138.3 (MANE Select); coding-DNA position 39, G replaced by A.
Protein change: p.Arg13=; no amino-acid change (arginine 13 retained).
Molecular consequence: synonymous variant. On other transcripts: 3 prime UTR variant (2).
Genome position (GRCh38, 1-based): chr22:50,524,373, C>T on the plus strand (G>A on the coding strand, the complement: SCO2 is on the minus strand). VCF-style: chr22-50524373-C-T. GRCh37 (hg19) VCF-style: chr22-50962802-C-T.
Other names: c.*998C>T (NM_001185011.2, NM_152299.4); c.39G>A, p.Arg13= (NM_001169109.2, NM_001169110.1, NM_001169111.2); c.39G>A (NM_005138.2).
Identifiers: ClinVar variation 1577877 (VCV001577877.10), dbSNP rs1416866419, ClinGen allele CA515268878.

ClinVar aggregate classification (germline): Likely benign. Review status: criteria provided, multiple submitters, no conflicts (2 of 4 stars). 3 submissions from 3 submitters: Likely benign (3). Last evaluated 2026-05-22.

Conditions:
SCO2-related disorder. Also called: SCO2-related condition.

Allele frequency attached by ClinVar (database versions not stated): TOPMed below 0.00001.
gnomAD v4.1: 10 of 1,602,966 alleles (0.00062%); highest among the groups gnomAD compares: East Asian, 0.0067%; no homozygotes.

Submissions (3):

PreventionGenetics, part of Exact Sciences
Classification: Likely benign for SCO2-related condition. Last evaluated: 2026-05-22. Review status: criteria provided, single submitter. Criteria: ACMG Guidelines, 2015. Collection method: clinical testing. Allele origin: germline.
Comment: This variant is classified as likely benign based on ACMG/AMP sequence variant interpretation guidelines (Richards et al. 2015 PMID: 25741868, with internal and published modifications).

Labcorp Genetics (formerly Invitae), Labcorp
Classification: Likely benign. Last evaluated: 2026-01-20. Review status: criteria provided, single submitter. Criteria: Invitae Variant Classification Sherloc (09022015). Collection method: clinical testing. Allele origin: germline.

Blueprint Genetics
Classification: Likely benign. Last evaluated: 2024-06-11. Review status: criteria provided, single submitter. Criteria: ACMG Guidelines, 2015. Collection method: clinical testing. Allele origin: germline.